The following is an entry in ClinVar:

ClinVar aggregate classification (germline): Uncertain significance (1 of 4 stars; one submission).

Conditions:
Familial adenomatous polyposis 1 (FAP1). Also called: FAMILIAL ADENOMATOUS POLYPOSIS 1, ATTENUATED; POLYPOSIS, ADENOMATOUS INTESTINAL. Identifiers: MedGen C2713442, MONDO:0021056, OMIM 175100. Disease mechanism: loss of function.

Submission:

Labcorp Genetics (formerly Invitae), Labcorp
Classification: Uncertain significance for Familial adenomatous polyposis 1. Last evaluated: 2025-12-14. Review status: criteria provided, single submitter. Criteria: Invitae Variant Classification Sherloc (09022015). Collection method: clinical testing. Allele origin: germline.
Comment: This variant occurs in a non-coding region of the APC gene. It does not change the encoded amino acid sequence of the APC protein. This variant is not present in population databases (gnomAD no frequency). This variant has not been reported in the literature in individuals affected with APC-related conditions. ClinVar contains an entry for this variant (Variation ID: 469863). Experimental studies and prediction algorithms are not available or were not evaluated, and the functional significance of this variant is currently unknown. In summary, the available evidence is currently insufficient to determine the role of this variant in disease. Therefore, it has been classified as a Variant of Uncertain Significance.

NC_000005.10:g.112707486T>C

Genes: APC (APC regulator of Wnt signaling pathway; plus strand), LOC129994371 (ATAC-STARR-seq lymphoblastoid active region 22910; plus strand). Cytogenetic location: 5q22.2.
Variant type: single nucleotide variant.
Genome position: GRCh38 VCF-style: chr5-112707486-T-C. GRCh37 (hg19) VCF-style: chr5-112043183-T-C.
Identifiers: ClinVar variation 469863 (VCV000469863.8), dbSNP rs1554060175, ClinGen allele CA658655881.